The following is an entry in ClinVar:

NM_020949.3(SLC7A14):c.2020A>C (p.Ile674Leu)

Genes: SLC7A14 (solute carrier family 7 member 14; minus strand), SLC7A14-AS1 (SLC7A14 antisense RNA 1; plus strand). Cytogenetic location: 3q26.2.
Variant type: single nucleotide variant.
Coding change: c.2020A>C on transcript NM_020949.3 (MANE Select); coding-DNA position 2020, A replaced by C.
Protein change: p.Ile674Leu; replaces isoleucine 674 with leucine.
Molecular consequence: missense variant. On other transcripts: non-coding transcript variant (3).
Genome position (GRCh38, 1-based): chr3:170,467,351, T>G on the plus strand (A>C on the coding strand, the complement: SLC7A14 is on the minus strand). VCF-style: chr3-170467351-T-G. GRCh37 (hg19) VCF-style: chr3-170185139-T-G.
Other names: c.2020A>C (NM_020949.2); short protein forms I674L.
Identifiers: ClinVar variation 1432501 (VCV001432501.8), dbSNP rs765639350, ClinGen allele CA2701522.

ClinVar aggregate classification (germline): Uncertain significance. Review status: criteria provided, multiple submitters, no conflicts (2 of 4 stars). 3 submissions from 3 submitters: Uncertain significance (3). Last evaluated 2025-12-24.

Allele frequency attached by ClinVar (database versions not stated): gnomAD 0.00001; gnomAD exomes 0.00001 and 0.00007; TOPMed 0.00004; ExAC 0.00008.
gnomAD v4.1: 17 of 1,604,454 alleles (0.0011%); highest among the groups gnomAD compares: Admixed American, 0.029%; no homozygotes.

Submissions (3):

Labcorp Genetics (formerly Invitae), Labcorp
Classification: Uncertain significance. Last evaluated: 2025-12-24. Review status: criteria provided, single submitter. Criteria: Invitae Variant Classification Sherloc (09022015). Collection method: clinical testing. Allele origin: germline.
Comment: This sequence change replaces isoleucine, which is neutral and non-polar, with leucine, which is neutral and non-polar, at codon 674 of the SLC7A14 protein (p.Ile674Leu). This variant is present in population databases (rs765639350, gnomAD 0.05%). This variant has not been reported in the literature in individuals affected with SLC7A14-related conditions. ClinVar contains an entry for this variant (Variation ID: 1432501). An algorithm developed to predict the effect of missense changes on protein structure and function (PolyPhen-2) suggests that this variant is likely to be tolerated. In summary, the available evidence is currently insufficient to determine the role of this variant in disease. Therefore, it has been classified as a Variant of Uncertain Significance.

Ambry Genetics
Classification: Uncertain significance. Last evaluated: 2025-10-28. Review status: criteria provided, single submitter. Criteria: Ambry Variant Classification Scheme 2023. Collection method: clinical testing. Allele origin: germline.

Blueprint Genetics
Classification: Uncertain significance. Last evaluated: 2021-05-31. Review status: criteria provided, single submitter. Criteria: ACMG Guidelines, 2015. Collection method: clinical testing. Allele origin: germline.